The following is an entry in ClinVar:

NM_000166.6(GJB1):c.2T>A (p.Met1Lys)

Gene: GJB1 (gap junction protein beta 1; plus strand). Cytogenetic location: Xq13.1.
Variant type: single nucleotide variant.
Coding change: c.2T>A on transcript NM_000166.6 (MANE Select); coding-DNA position 2, T replaced by A.
Protein change: p.Met1Lys; changes the start codon (methionine 1).
Molecular consequence: missense variant, initiator codon variant.
Genome position (GRCh38, 1-based): chrX:71,223,709, T>A. VCF-style: chrX-71223709-T-A. GRCh37 (hg19) VCF-style: chrX-70443559-T-A.
Other names: c.2T>A, p.Met1Lys (NM_001097642.3); short protein forms M1K.
Identifiers: ClinVar variation 949392 (VCV000949392.10), dbSNP rs1602348519, ClinGen allele CA413499247.

ClinVar aggregate classification (germline): Pathogenic (1 of 4 stars; one submission).

Conditions:
Charcot-Marie-Tooth Neuropathy X. Identifiers: MedGen CN118851.

Submission:

Labcorp Genetics (formerly Invitae), Labcorp
Classification: Pathogenic for Charcot-Marie-Tooth Neuropathy X. Last evaluated: 2023-07-14. Review status: criteria provided, single submitter. Criteria: Invitae Variant Classification Sherloc (09022015). Collection method: clinical testing. Allele origin: germline.
Comment: For these reasons, this variant has been classified as Pathogenic. This sequence change affects the initiator methionine of the GJB1 mRNA. The next in-frame methionine is located at codon 34. This variant is not present in population databases (gnomAD no frequency). Disruption of the initiator codon has been observed in individuals with GJB1-related conditions (PMID: 20039784, 24627108, 24958582, 25771809; Invitae). It has also been observed to segregate with disease in related individuals. ClinVar contains an entry for this variant (Variation ID: 949392). Algorithms developed to predict the effect of variants on protein structure and function are not available or were not evaluated for this variant. Experimental studies have shown that disruption of the initiator codon affects GJB1 function (PMID: 25771809).

Literature cited by the submitters: PubMed 20039784; PubMed 24627108; PubMed 24958582; PubMed 25771809.